The following is an entry in ClinVar:

ClinVar aggregate classification (germline): Uncertain significance (1 of 4 stars; one submission).

Conditions:
Hereditary cancer-predisposing syndrome. Also called: Tumor predisposition; Hereditary Cancer Syndrome; Hereditary neoplastic syndrome; Neoplastic Syndromes, Hereditary. Identifiers: Orphanet 140162, MedGen C0027672, MeSH D009386, MONDO:0015356.

Submission:

Ambry Genetics
Classification: Uncertain significance for Hereditary cancer-predisposing syndrome. Last evaluated: 2023-07-05. Review status: criteria provided, single submitter. Criteria: Ambry Variant Classification Scheme 2023. Collection method: clinical testing. Allele origin: germline.
Comment: The c.-1C>A variant is located in the 5' untranslated region (5&rsquo; UTR) of the PTCH1 gene. This variant results from a C to A substitution 1 nucleotide upstream from the first translated codon. This nucleotide position is highly conserved in available vertebrate species. Since supporting evidence is limited at this time, the clinical significance of this alteration remains unclear.

NM_000264.5(PTCH1):c.-1C>A

Genes: PTCH1 (patched 1; minus strand), LOC130002133 (ATAC-STARR-seq lymphoblastoid silent region 20071; plus strand). Cytogenetic location: 9q22.32.
Variant type: single nucleotide variant.
Coding change: c.-1C>A on transcript NM_000264.5 (MANE Select); 1 bases upstream of the start codon, C replaced by A.
Molecular consequence: 5 prime UTR variant. On other transcripts: non-coding transcript variant (1), intron variant (3).
Genome position (GRCh38, 1-based): chr9:95,508,362, G>T on the plus strand (C>A on the coding strand, the complement: PTCH1 is on the minus strand). VCF-style: chr9-95508362-G-T. GRCh37 (hg19) VCF-style: chr9-98270644-G-T.
Other names: c.-1C>A (NM_001354918.2); c.199-1763C>A (NM_001083603.3); c.4-1763C>A (NM_001083602.3, NM_001354919.2).
Identifiers: ClinVar variation 2626218 (VCV002626218.2), dbSNP rs2538405001, ClinGen allele CA2582342002.